The following is an entry in ClinVar:

NM_001002292.4(WLS):c.1554del (p.Phe518fs)

Genes: GNG12-AS1 (GNG12, DIRAS3 and WLS antisense RNA 1; plus strand), WLS (Wnt ligand secretion mediator; minus strand). Cytogenetic location: 1p31.3.
Variant type: Deletion.
Coding change: c.1554del on transcript NM_001002292.4; coding-DNA position 1554, one base deleted (T; older notation c.1554delT).
Protein change: p.Phe518fs; shifts the reading frame from phenylalanine 518.
Molecular consequence: frameshift variant. On other transcripts: non-coding transcript variant (1).
Genome position (GRCh38, 1-based): chr1:68,098,710, A deleted on the plus strand (T on the coding strand, the reverse complement: WLS is on the minus strand); the first of 3 consecutive A bases (chr1:68,098,710-68,098,712); deleting any one gives the same sequence. VCF-style (leftmost placement, unchanged base first): chr1-68098709-CA-C. GRCh37 (hg19) VCF-style: chr1-68564392-CA-C.
Other names: c.1554delT (NM_001002292.3); short protein forms F518fs.
Identifiers: ClinVar variation 756682 (VCV000756682.7), dbSNP rs372130459, ClinGen allele CA901504.

ClinVar aggregate classification (germline): Benign. Review status: criteria provided, single submitter (1 of 4 stars). 2 submissions from 2 submitters: Benign (1). 1 of the submissions does not count toward it. Last evaluated 2018-07-04.

Conditions:
WLS-related disorder. Also called: WLS-related condition.

Submissions (2):

Labcorp Genetics (formerly Invitae), Labcorp
Classification: Benign. Last evaluated: 2018-07-04. Review status: criteria provided, single submitter. Criteria: Invitae Variant Classification Sherloc (09022015). Collection method: clinical testing. Allele origin: germline.

PreventionGenetics, part of Exact Sciences
Classification: Likely benign for WLS-related condition. Last evaluated: 2023-07-15. Review status: no assertion criteria provided. Collection method: clinical testing. Allele origin: germline. Not counted in ClinVar's aggregate classification.
Comment: This variant is classified as likely benign based on ACMG/AMP sequence variant interpretation guidelines (Richards et al. 2015 PMID: 25741868, with internal and published modifications).